The following is an entry in ClinVar:

NM_005359.6(SMAD4):c.945C>T (p.Ser315=)

Gene: SMAD4 (SMAD family member 4; plus strand). Cytogenetic location: 18q21.2.
Variant type: single nucleotide variant.
Coding change: c.945C>T on transcript NM_005359.6 (MANE Select); coding-DNA position 945, C replaced by T.
Protein change: p.Ser315=; no amino-acid change (serine 315 retained).
Molecular consequence: synonymous variant.
Genome position (GRCh38, 1-based): chr18:51,059,906, C>T. VCF-style: chr18-51059906-C-T. GRCh37 (hg19) VCF-style: chr18-48586276-C-T.
Identifiers: ClinVar variation 484825 (VCV000484825.42), dbSNP rs1408798906, ClinGen allele CA503873940.
Genomic context (GRCh38, chr18:51,059,906, plus strand): 5'-TTTTGTTGTCTTTTCTTTAGGGCCTGTTCACAATGAGCTTGCATTCCAGCCTCCCATTTC[C>T]AATCATCCTGGTAAGTGTATTTCAAAATTGATTTCCTGTATTTAGATTGATTTAGTGGTG-3'
Protein context (NP_005350.1, residues 305-325): HNELAFQPPI[Ser315=]NHPAPEYWCS

ClinVar aggregate classification (germline): Benign/Likely benign. Review status: criteria provided, multiple submitters, no conflicts (2 of 4 stars). 5 submissions from 5 submitters: Benign (1); Likely benign (4). Last evaluated 2025-03-20.

Conditions:
Familial thoracic aortic aneurysm and aortic dissection (TAAD). Also called: Thoracic aortic aneurysms and dissections. Identifiers: Orphanet 91387, MedGen C4707243, MONDO:0019625.
Hereditary cancer-predisposing syndrome. Also called: Hereditary neoplastic syndrome; Tumor predisposition; Neoplastic Syndromes, Hereditary; Hereditary Cancer Syndrome. Identifiers: Orphanet 140162, MedGen C0027672, MeSH D009386, MONDO:0015356.
Juvenile polyposis/hereditary hemorrhagic telangiectasia syndrome (JPHT). Also called: POLYPOSIS, GENERALIZED JUVENILE, WITH PULMONARY ARTERIOVENOUS MALFORMATION; TELANGIECTASIA, HEREDITARY HEMORRHAGIC, WITH JUVENILE POLYPOSIS COLI; Juvenile Polyposis Syndrome / Hereditary Hemorrhagic Telangiectasia (JPS/HHT); JP/HHT SYNDROME; JUVENILE POLYPOSIS WITH HEREDITARY HEMORRHAGIC TELANGIECTASIA. Identifiers: Orphanet 2929, MedGen C1832942, MONDO:0008278, OMIM 175050.
Juvenile polyposis syndrome (JPS). Identifiers: Orphanet 2929, MedGen C0345893, MONDO:0017380, OMIM 174900.

Allele frequency attached by ClinVar (database versions not stated): gnomAD 0.00001; TOPMed 0.00001.

Submissions (5):

Myriad Genetics, Inc.
Classification: Benign for Juvenile polyposis/hereditary hemorrhagic telangiectasia syndrome. Last evaluated: 2025-03-20. Review status: criteria provided, single submitter. Criteria: Myriad Autosomal Dominant, Autosomal Recessive and X-Linked Classification Criteria (2023). Collection method: clinical testing. Allele origin: unknown.
Comment: This variant is considered benign. This variant is a silent/synonymous amino acid change and it is not expected to impact splicing.

CeGaT Center for Human Genetics Tuebingen
Classification: Likely benign. Last evaluated: 2024-12-01. Review status: criteria provided, single submitter. Criteria: CeGaT Center For Human Genetics Tuebingen Variant Classification Criteria Version 2. Collection method: clinical testing. Allele origin: germline. Affected: yes. Observed: 1 variant allele.
Comment: SMAD4: BP4, BP7

Labcorp Genetics (formerly Invitae), Labcorp
Classification: Likely benign for Juvenile polyposis syndrome. Last evaluated: 2024-07-15. Review status: criteria provided, single submitter. Criteria: Invitae Variant Classification Sherloc (09022015). Collection method: clinical testing. Allele origin: germline.

Color Diagnostics, LLC DBA Color Health
Classification: Likely benign for Hereditary cancer-predisposing syndrome. Last evaluated: 2019-07-08. Review status: criteria provided, single submitter. Criteria: ACMG Guidelines, 2015. Collection method: clinical testing. Allele origin: germline.

Ambry Genetics
Classification: Likely benign for Hereditary cancer-predisposing syndrome; Familial thoracic aortic aneurysm and aortic dissection. Last evaluated: 2017-09-13. Review status: criteria provided, single submitter. Criteria: Ambry Variant Classification Scheme 2023. Collection method: clinical testing. Allele origin: germline.